The following is an entry in ClinVar:

ClinVar aggregate classification (germline): Likely pathogenic. Review status: criteria provided, multiple submitters, no conflicts (2 of 4 stars). 5 submissions from 5 submitters: Likely pathogenic (4). 1 of the submissions does not count toward it. Last evaluated 2024-05-20.

Conditions:
Canavan Disease, Familial Form. Identifiers: MedGen C0751663.
Spongy degeneration of central nervous system. Also called: Canavan disease; Von Bogaert-Bertrand disease; ACY2 DEFICIENCY; AMINOACYLASE 2 DEFICIENCY; ASP DEFICIENCY; ASPA DEFICIENCY. Identifiers: Orphanet 141, MedGen C0206307, MONDO:0010079, OMIM 271900.

Allele frequency attached by ClinVar (database versions not stated): gnomAD 0.00001; gnomAD exomes 0.00001 and below 0.00001; ExAC 0.00001.
gnomAD v4.1: 3 of 1,613,470 alleles (0.00019%); highest among the groups gnomAD compares: Admixed American, 0.005%; no homozygotes.

Submissions (5):

Fulgent Genetics
Classification: Likely pathogenic for Spongy degeneration of central nervous system. Last evaluated: 2024-05-20. Review status: criteria provided, single submitter. Criteria: ACMG Guidelines, 2015. Collection method: clinical testing. Allele origin: germline.

Baylor Genetics
Classification: Likely pathogenic for Spongy degeneration of central nervous system. Last evaluated: 2024-03-20. Review status: criteria provided, single submitter. Criteria: ACMG Guidelines, 2015. Collection method: clinical testing. Allele origin: unknown.

Women's Health and Genetics/Laboratory Corporation of America, LabCorp
Classification: Likely pathogenic for Canavan Disease, Familial Form. Last evaluated: 2023-04-04. Review status: criteria provided, single submitter. Criteria: LabCorp Variant Classification Summary - May 2015. Collection method: clinical testing. Allele origin: germline.
Comment: Variant summary: ASPA c.941A>G (p.X314TrpextX45) changes the termination codon and is predicted to lead to an extended protein with additional amino acids added to the normal C-terminus. The variant allele was found at a frequency of 8e-06 in 249554 control chromosomes (gnomAD). c.941A>G has been reported in the literature in a homozygous individual affected with Canavan Disease (Zeng_2002). These data indicate that the variant may be associated with disease. Assessment of ASPA activity in fibroblasts derived from the homozygous patient revealed a complete deficiency of enyme activity, suggesting the variant severely impacts protein function (Zeng_2002). Two clinical diagnostic laboratories have submitted clinical-significance assessments for this variant to ClinVar after 2014 and both classified the variant as likely pathogenic. Based on the evidence outlined above, the variant was classified as likely pathogenic.

Labcorp Genetics (formerly Invitae), Labcorp
Classification: Likely pathogenic for Spongy degeneration of central nervous system. Last evaluated: 2022-05-29. Review status: criteria provided, single submitter. Criteria: Invitae Variant Classification Sherloc (09022015). Collection method: clinical testing. Allele origin: germline.
Comment: Experimental studies and prediction algorithms are not available or were not evaluated, and the functional significance of this variant is currently unknown. ClinVar contains an entry for this variant (Variation ID: 950717). This protein extension has been observed in individual(s) with Canavan disease (PMID: 12638939; Invitae). In at least one individual the data is consistent with being in trans (on the opposite chromosome) from a pathogenic variant. This variant is present in population databases (rs745832703, gnomAD 0.009%). This sequence change disrupts the translational stop signal of the ASPA mRNA. It is expected to extend the length of the ASPA protein by 45 additional amino acid residues. In summary, the currently available evidence indicates that the variant is pathogenic, but additional data are needed to prove that conclusively. Therefore, this variant has been classified as Likely Pathogenic.

Natera, Inc.
Classification: Likely pathogenic for Canavan Disease. Last evaluated: 2020-02-28. Review status: no assertion criteria provided. Collection method: clinical testing. Allele origin: germline. Not counted in ClinVar's aggregate classification.

Literature cited by the submitters: PubMed 12638939 (cited by Women's Health and Genetics/Laboratory Corporation of America, LabCorp and Labcorp Genetics (formerly Invitae), Labcorp).

NM_000049.4(ASPA):c.941A>G (p.Ter314Trp)

Genes: ASPA (aspartoacylase; plus strand), SPATA22 (spermatogenesis associated 22; minus strand). Cytogenetic location: 17p13.2.
Variant type: single nucleotide variant.
Coding change: c.941A>G on transcript NM_000049.4 (MANE Select); coding-DNA position 941, A replaced by G.
Protein change: p.Ter314Trp.
Molecular consequence: stop lost. On other transcripts: intron variant (2).
Genome position (GRCh38, 1-based): chr17:3,499,087, A>G. VCF-style: chr17-3499087-A-G. GRCh37 (hg19) VCF-style: chr17-3402381-A-G.
Other names: *314W; c.941A>G, p.Ter314Trp (NM_001128085.1); c.-74+14325T>C (NM_001321336.2, NM_001321337.2).
Identifiers: ClinVar variation 950717 (VCV000950717.25), dbSNP rs745832703, ClinGen allele CA8289072.